The following is an entry in ClinVar:

NM_000063.6(C2):c.849+59G>A

Gene: C2 (complement C2; plus strand). Cytogenetic location: 6p21.33.
Variant type: single nucleotide variant.
Coding change: c.849+59G>A on transcript NM_000063.6 (MANE Select); 59 bases into the intron after coding-DNA position 849, G replaced by A.
Molecular consequence: intron variant. On other transcripts: missense variant (1).
Genome position (GRCh38, 1-based): chr6:31,934,358, G>A. VCF-style: chr6-31934358-G-A. GRCh37 (hg19) VCF-style: chr6-31902135-G-A.
Other names: c.908G>A, p.Cys303Tyr (NM_001282459.2); c.111+575G>A (NM_001282457.2); c.346+393G>A (NM_001178063.3); c.762+59G>A (NM_001282458.2); c.453+59G>A (NM_001145903.3); short protein forms C303Y.
Identifiers: ClinVar variation 992548 (VCV000992548.3), dbSNP rs764825466, ClinGen allele CA3727535.
Genomic context (GRCh38, chr6:31,934,358, plus strand): 5'-GGGTCAGGAATCAGGAGTCTGCCTGCAGCAGAGGCCTTCCTGTGCTCACTATCTCTCTCT[G>A]TCTCCTTCCCCTCCTCAGAACCCCACTCACAGCCCACCTCCTCCAAGAAGTCTTCTCAGA-3'

ClinVar aggregate classification (germline): Uncertain significance (1 of 4 stars; one submission).

Conditions:
Complement component 2 deficiency (C2D). Also called: C2 deficiency. Identifiers: MedGen C0398756, MONDO:0009006, OMIM 217000.
Age related macular degeneration 14. Also called: MACULAR DEGENERATION, AGE-RELATED, 14, REDUCED RISK OF. Identifiers: MedGen C3809653, MONDO:0014207, OMIM 615489.

Allele frequency attached by ClinVar (database versions not stated): gnomAD exomes 0.00001 and 0.00002; ExAC 0.00002; gnomAD 0.00002; TOPMed 0.00003.
gnomAD v4.1: 10 of 1,610,792 alleles (0.00062%); highest among the groups gnomAD compares: African/African-American, 0.008%; no homozygotes.

Submission:

Center for Genomics, Ann and Robert H. Lurie Children's Hospital of Chicago
Classification: Uncertain significance for Complement component 2 deficiency; Age related macular degeneration 14. Review status: criteria provided, single submitter. Criteria: ACMG Guidelines, 2015. Collection method: clinical testing. Allele origin: germline.
Comment: C2 NM_001282459.1 exon 6 p.Cys303Tyr (c.908G>A): This variant has not been reported in the literature but is present in 0.03% (5/16154) of African alleles in the Genome Aggregation Database. Evolutionary conservation for this variant is limited or unavailable; computational predictive tools for this variant are unclear. In summary, data on this variant is insufficient for disease classification. Therefore, the clinical significance of this variant is uncertain.